The following is an entry in ClinVar:

ClinVar aggregate classification (germline): Uncertain significance. Review status: criteria provided, multiple submitters, no conflicts (2 of 4 stars). 3 submissions from 3 submitters: Uncertain significance (2). 1 of the submissions does not count toward it. Last evaluated 2024-01-12.

Conditions:
Mucopolysaccharidosis, MPS-III-C (MPS3C). Also called: MPS IIIC (Sanfilippo Syndrome Type C); MUCOPOLYSACCHARIDOSIS, TYPE IIIC; Mucopolysaccharidosis type IIIC (Sanfilippo C); mucopolysaccharidosis type 3C; SANFILIPPO SYNDROME C; MPS III C. Identifiers: Orphanet 581, Orphanet 79271, MedGen C0086649, MONDO:0009657, OMIM 252930.
Retinitis pigmentosa 73 (RP73). Identifiers: Orphanet 791, MedGen C4225287, MONDO:0014687, OMIM 616544.

Allele frequency attached by ClinVar (database versions not stated): TOPMed 0.00001; gnomAD exomes 0.00001.
gnomAD v4.1: 15 of 1,606,810 alleles (0.00093%); highest among the groups gnomAD compares: Non-Finnish European, 0.0013%; no homozygotes.

Submissions (3):

Labcorp Genetics (formerly Invitae), Labcorp
Classification: Uncertain significance for Retinitis pigmentosa 73; Mucopolysaccharidosis, MPS-III-C. Last evaluated: 2024-01-12. Review status: criteria provided, single submitter. Criteria: Invitae Variant Classification Sherloc (09022015). Collection method: clinical testing. Allele origin: germline.
Comment: This sequence change replaces tyrosine, which is neutral and polar, with histidine, which is basic and polar, at codon 419 of the HGSNAT protein (p.Tyr419His). This variant is not present in population databases (gnomAD no frequency). This variant has not been reported in the literature in individuals affected with HGSNAT-related conditions. ClinVar contains an entry for this variant (Variation ID: 1021697). Advanced modeling of protein sequence and biophysical properties (such as structural, functional, and spatial information, amino acid conservation, physicochemical variation, residue mobility, and thermodynamic stability) has been performed at Invitae for this missense variant, however the output from this modeling did not meet the statistical confidence thresholds required to predict the impact of this variant on HGSNAT protein function. In summary, the available evidence is currently insufficient to determine the role of this variant in disease. Therefore, it has been classified as a Variant of Uncertain Significance.

Blueprint Genetics
Classification: Uncertain significance. Last evaluated: 2021-10-19. Review status: criteria provided, single submitter. Criteria: ACMG Guidelines, 2015. Collection method: clinical testing. Allele origin: germline.

Natera, Inc.
Classification: Uncertain significance for Mucopolysaccharidosis type IIIC. Last evaluated: 2021-02-25. Review status: no assertion criteria provided. Collection method: clinical testing. Allele origin: germline. Not counted in ClinVar's aggregate classification.

NM_152419.3(HGSNAT):c.1255T>C (p.Tyr419His)

Gene: HGSNAT (heparan-alpha-glucosaminide N-acetyltransferase; plus strand). Cytogenetic location: 8p11.21.
Variant type: single nucleotide variant.
Coding change: c.1255T>C on transcript NM_152419.3 (MANE Select); coding-DNA position 1255, T replaced by C.
Protein change: p.Tyr419His; replaces tyrosine 419 with histidine.
Molecular consequence: missense variant.
Genome position (GRCh38, 1-based): chr8:43,192,308, T>C. VCF-style: chr8-43192308-T-C. GRCh37 (hg19) VCF-style: chr8-43047451-T-C.
Other names: c.1255T>C, p.Tyr419His (NM_001363227.2); c.1063T>C, p.Tyr355His (NM_001363228.2); c.391T>C, p.Tyr131His (NM_001363229.2); short protein forms Y131H, Y355H, Y419H.
Identifiers: ClinVar variation 1021697 (VCV001021697.7), dbSNP rs1220333666, ClinGen allele CA371119542.